The following is an entry in ClinVar:

ClinVar aggregate classification (germline): Conflicting classifications of pathogenicity. Review status: criteria provided, conflicting classifications (1 of 4 stars). 2 submissions from 2 submitters: Uncertain significance (1); Likely benign (1). Last evaluated 2025-06-24.

Conditions:
Inborn genetic diseases. Identifiers: MedGen C0950123, MeSH D030342.
Leber congenital amaurosis 6 (LCA6). Identifiers: Orphanet 65, MedGen C1854260, MONDO:0013446, OMIM 613826.
Cone-rod dystrophy 13 (CORD13). Identifiers: Orphanet 1872, MedGen C2750720, MONDO:0011987, OMIM 608194.

Allele frequency attached by ClinVar (database versions not stated): gnomAD exomes below 0.00001 and 0.00002; TOPMed 0.00002; gnomAD 0.00003 and 0.00004.
gnomAD v4.1: 28 of 1,613,586 alleles (0.0017%); highest among the groups gnomAD compares: African/African-American, 0.0027%; no homozygotes.

Submissions (2):

Ambry Genetics
Classification: Likely benign for Inborn genetic diseases. Last evaluated: 2025-06-24. Review status: criteria provided, single submitter. Criteria: Ambry Variant Classification Scheme 2023. Collection method: clinical testing. Allele origin: germline.

Labcorp Genetics (formerly Invitae), Labcorp
Classification: Uncertain significance for Leber congenital amaurosis 6; Cone-rod dystrophy 13. Last evaluated: 2021-08-17. Review status: criteria provided, single submitter. Criteria: Invitae Variant Classification Sherloc (09022015). Collection method: clinical testing. Allele origin: germline.
Comment: In summary, the available evidence is currently insufficient to determine the role of this variant in disease. Therefore, it has been classified as a Variant of Uncertain Significance. Algorithms developed to predict the effect of missense changes on protein structure and function output the following: SIFT: "Tolerated"; PolyPhen-2: "Benign"; Align-GVGD: "Class C0". The isoleucine amino acid residue is found in multiple mammalian species, which suggests that this missense change does not adversely affect protein function. This sequence change replaces valine with isoleucine at codon 1013 of the RPGRIP1 protein (p.Val1013Ile). The valine residue is weakly conserved and there is a small physicochemical difference between valine and isoleucine. This variant is not present in population databases (ExAC no frequency). This variant has not been reported in the literature in individuals affected with RPGRIP1-related conditions.

NM_020366.4(RPGRIP1):c.3037G>A (p.Val1013Ile)

Gene: RPGRIP1 (RPGR interacting protein 1; plus strand). Cytogenetic location: 14q11.2.
Variant type: single nucleotide variant.
Coding change: c.3037G>A on transcript NM_020366.4 (MANE Select); coding-DNA position 3037, G replaced by A.
Protein change: p.Val1013Ile; replaces valine 1013 with isoleucine.
Molecular consequence: missense variant.
Genome position (GRCh38, 1-based): chr14:21,328,565, G>A. VCF-style: chr14-21328565-G-A. GRCh37 (hg19) VCF-style: chr14-21796724-G-A.
Other names: c.1015G>A, p.Val339Ile (NM_001377523.1, NM_001377950.1); c.1963G>A, p.Val655Ile (NM_001377948.1); c.1123G>A, p.Val375Ile (NM_001377949.1); c.517G>A, p.Val173Ile (NM_001377951.1); c.3037G>A (NM_020366.3); short protein forms V1013I, V173I, V339I, V375I, V655I.
Identifiers: ClinVar variation 1406412 (VCV001406412.7), dbSNP rs1289388105, ClinGen allele CA388871914.